The following is an entry in ClinVar:

ClinVar aggregate classification (germline): Uncertain significance (1 of 4 stars; one submission).

Submission:

Ambry Genetics
Classification: Uncertain significance. Last evaluated: 2022-02-17. Review status: criteria provided, single submitter. Criteria: Ambry Variant Classification Scheme 2023. Collection method: clinical testing. Allele origin: germline.
Comment: The p.L289I variant (also known as c.865C>A), located in coding exon 6 of the CTNNA3 gene, results from a C to A substitution at nucleotide position 865. The leucine at codon 289 is replaced by isoleucine, an amino acid with highly similar properties. This amino acid position is conserved. In addition, this alteration is predicted to be tolerated by in silico analysis. Since supporting evidence is limited at this time, the clinical significance of this alteration remains unclear.

NM_013266.4(CTNNA3):c.865C>A (p.Leu289Ile)

Gene: CTNNA3 (catenin alpha 3; minus strand). Cytogenetic location: 10q21.3.
Variant type: single nucleotide variant.
Coding change: c.865C>A on transcript NM_013266.4 (MANE Select); coding-DNA position 865, C replaced by A.
Protein change: p.Leu289Ile; replaces leucine 289 with isoleucine.
Molecular consequence: missense variant.
Genome position (GRCh38, 1-based): chr10:67,180,499, G>T on the plus strand (C>A on the coding strand, the complement: CTNNA3 is on the minus strand). VCF-style: chr10-67180499-G-T. GRCh37 (hg19) VCF-style: chr10-68940257-G-T.
Other names: c.865C>A, p.Leu289Ile (NM_001127384.3); c.901C>A, p.Leu301Ile (NM_001291133.2); short protein forms L289I, L301I.
Identifiers: ClinVar variation 1764211 (VCV001764211.2), dbSNP rs2547990806, ClinGen allele CA377097079.